The following is an entry in ClinVar:

ClinVar aggregate classification (germline): Likely pathogenic. Review status: criteria provided, multiple submitters, no conflicts (2 of 4 stars). 2 submissions from 2 submitters: Likely pathogenic (2). Last evaluated 2025-01-07.

Conditions:
CHRNE-related disorder. Also called: CHRNE-related condition.
Congenital myasthenic syndrome (CMS). Also called: Congenital Myasthenic Syndromes. Identifiers: Orphanet 590, MedGen C0751882, MeSH D020294, MONDO:0018940.

gnomAD v4.1: 1 of 1,614,180 alleles (0.000062%); highest among the groups gnomAD compares: Non-Finnish European, 0.000085%; no homozygotes.

Submissions (2):

Natera, Inc.
Classification: Likely pathogenic for Congenital myasthenic syndrome. Last evaluated: 2025-01-07. Review status: criteria provided, single submitter. Criteria: Natera Variant Classification Schema (03/2026). Collection method: clinical testing. Allele origin: germline.
Comment: The c.872C>T variant in CHRNE is a missense variant predicted to cause substitution of alanine to valine at amino acid 291. This variant is rare in the general population with a frequency below the threshold expected for the associated phenotype(s). This variant has been observed in one or more individuals affected with the associated recessive disease, as either homozygous or compound heterozygous with a second variant (PMID: 36308527). Additionally, this variant has been observed to segregate in affected family members (PMID: 36308527). Computational prediction algorithms indicate this variant is likely to affect gene or protein function. Given the available evidence, this variant is classified as Likely Pathogenic.

Blueprint Genetics
Classification: Likely pathogenic for CHRNE-related disorders. Last evaluated: 2023-08-17. Review status: criteria provided, single submitter. Criteria: ACMG Guidelines, 2015. Collection method: clinical testing. Allele origin: germline. Affected: yes. Observed: 1 variant allele.

Literature cited by the submitters: PubMed 36308527 (cited by Natera, Inc.).

NM_000080.4(CHRNE):c.872C>T (p.Ala291Val)

Genes: C17orf107 (chromosome 17 open reading frame 107; plus strand), CHRNE (cholinergic receptor nicotinic epsilon subunit; minus strand). Cytogenetic location: 17p13.2.
Variant type: single nucleotide variant.
Coding change: c.872C>T on transcript NM_000080.4 (MANE Select); coding-DNA position 872, C replaced by T.
Protein change: p.Ala291Val; replaces alanine 291 with valine.
Molecular consequence: missense variant. On other transcripts: 3 prime UTR variant (1).
Genome position (GRCh38, 1-based): chr17:4,900,838, G>A on the plus strand (C>T on the coding strand, the complement: CHRNE is on the minus strand). VCF-style: chr17-4900838-G-A. GRCh37 (hg19) VCF-style: chr17-4804133-G-A.
Other names: c.*305G>A (NM_001145536.2); short protein forms A291V.
Identifiers: ClinVar variation 4816977 (VCV004816977.2).